The following is an entry in ClinVar:

ClinVar aggregate classification (germline): Uncertain significance (1 of 4 stars; one submission).

Conditions:
Early Myoclonic Encephalopathy. Identifiers: MedGen C0270855.

gnomAD v4.1: 9 of 1,613,966 alleles (0.00056%); highest among the groups gnomAD compares: Non-Finnish European, 0.00068%; no homozygotes.

Submission:

Labcorp Genetics (formerly Invitae), Labcorp
Classification: Uncertain significance for Early Myoclonic Encephalopathy. Last evaluated: 2025-10-28. Review status: criteria provided, single submitter. Criteria: Invitae Variant Classification Sherloc (09022015). Collection method: clinical testing. Allele origin: germline.
Comment: This sequence change replaces tryptophan, which is neutral and slightly polar, with cysteine, which is neutral and slightly polar, at codon 55 of the KCND2 protein (p.Trp55Cys). This variant is present in population databases (rs757679607, gnomAD 0.004%). This variant has not been reported in the literature in individuals affected with KCND2-related conditions. Invitae Evidence Modeling of protein sequence and biophysical properties (such as structural, functional, and spatial information, amino acid conservation, physicochemical variation, residue mobility, and thermodynamic stability) indicates that this missense variant is expected to disrupt KCND2 protein function with a positive predictive value of 95%. In summary, the available evidence is currently insufficient to determine the role of this variant in disease. Therefore, it has been classified as a Variant of Uncertain Significance.

NM_012281.3(KCND2):c.165G>T (p.Trp55Cys)

Gene: KCND2 (potassium voltage-gated channel subfamily D member 2; plus strand). Cytogenetic location: 7q31.31.
Variant type: single nucleotide variant.
Coding change: c.165G>T on transcript NM_012281.3 (MANE Select); coding-DNA position 165, G replaced by T.
Protein change: p.Trp55Cys; replaces tryptophan 55 with cysteine.
Molecular consequence: missense variant.
Genome position (GRCh38, 1-based): chr7:120,274,797, G>T. VCF-style: chr7-120274797-G-T. GRCh37 (hg19) VCF-style: chr7-119914851-G-T.
Other names: short protein forms W55C.
Identifiers: ClinVar variation 4768316 (VCV004768316.1).